The following is an entry in ClinVar:

ClinVar aggregate classification (germline): Uncertain significance (1 of 4 stars; one submission).

Submission:

Labcorp Genetics (formerly Invitae), Labcorp
Classification: Uncertain significance. Last evaluated: 2026-01-13. Review status: criteria provided, single submitter. Criteria: Invitae Variant Classification Sherloc (09022015). Collection method: clinical testing. Allele origin: germline.
Comment: This variant, c.104_112del, results in the deletion of 3 amino acid(s) of the FBXO11 protein (p.Pro35_Gln37del), but otherwise preserves the integrity of the reading frame. The frequency data for this variant in the population databases is considered unreliable, as metrics indicate poor data quality at this position in the gnomAD database. This variant has not been reported in the literature in individuals affected with FBXO11-related conditions. ClinVar contains an entry for this variant (Variation ID: 1465523). Experimental studies and prediction algorithms are not available or were not evaluated, and the functional significance of this variant is currently unknown. In summary, the available evidence is currently insufficient to determine the role of this variant in disease. Therefore, it has been classified as a Variant of Uncertain Significance.

NM_001190274.2(FBXO11):c.104_112del (p.32PPQ[1])

Genes: FBXO11 (F-box protein 11; minus strand), LOC100506235 (uncharacterized LOC100506235; plus strand). Cytogenetic location: 2p16.3.
Variant type: Deletion.
Coding change: c.104_112del on transcript NM_001190274.2 (MANE Select); coding-DNA positions 104 to 112, 9 bases deleted (CGCCCCAGC; older notation c.104_112delCGCCCCAGC).
Protein change: p.32PPQ[1].
Molecular consequence: inframe deletion.
Genome position (GRCh38, 1-based): chr2:47,905,609-47,905,617, GCTGGGGCG deleted on the plus strand (CGCCCCAGC on the coding strand, the reverse complement: FBXO11 is on the minus strand); deleting any 9 consecutive bases within chr2:47,905,609-47,905,621 gives the same sequence; the c. name uses the placement nearest the transcript's 3' end. VCF-style (leftmost placement, unchanged base first): chr2-47905608-TGCTGGGGCG-T. GRCh37 (hg19) VCF-style: chr2-48132747-TGCTGGGGCG-T.
Identifiers: ClinVar variation 1465523 (VCV001465523.8), dbSNP rs777640905, ClinGen allele CA1650248.